The following is an entry in ClinVar:

NM_017934.7(PHIP):c.3438A>C (p.Ser1146=)

Genes: IRAK1BP1 (interleukin 1 receptor associated kinase 1 binding protein 1; plus strand), PHIP (PHIP subunit of CUL4-Ring ligase complex; minus strand). Cytogenetic location: 6q14.1.
Variant type: single nucleotide variant.
Coding change: c.3438A>C on transcript NM_017934.7 (MANE Select); coding-DNA position 3438, A replaced by C.
Protein change: p.Ser1146=; no amino-acid change (serine 1146 retained).
Molecular consequence: synonymous variant.
Genome position (GRCh38, 1-based): chr6:78,963,194, T>G on the plus strand (A>C on the coding strand, the complement: PHIP is on the minus strand). VCF-style: chr6-78963194-T-G. GRCh37 (hg19) VCF-style: chr6-79672911-T-G.
Identifiers: ClinVar variation 3352918 (VCV003352918.1).

ClinVar aggregate classification (germline): Likely benign (0 of 4 stars; one submission).

Conditions:
PHIP-related disorder. Also called: PHIP-related condition; PHIP-related disorders.

gnomAD v4.1: 8 of 1,610,306 alleles (0.0005%); highest among the groups gnomAD compares: East Asian, 0.0022%; no homozygotes.

Submission:

PreventionGenetics, part of Exact Sciences
Classification: Likely benign for PHIP-related condition. Last evaluated: 2024-06-15. Review status: no assertion criteria provided. Collection method: clinical testing. Allele origin: germline.
Comment: This variant is classified as likely benign based on ACMG/AMP sequence variant interpretation guidelines (Richards et al. 2015 PMID: 25741868, with internal and published modifications).